The following is an entry in ClinVar:

NM_031443.4(CCM2):c.328G>A (p.Asp110Asn)

Gene: CCM2 (CCM2 scaffold protein; plus strand). Cytogenetic location: 7p13.
Variant type: single nucleotide variant.
Coding change: c.328G>A on transcript NM_031443.4 (MANE Select); coding-DNA position 328, G replaced by A.
Protein change: p.Asp110Asn; replaces aspartic acid 110 with asparagine.
Molecular consequence: missense variant. On other transcripts: non-coding transcript variant (1).
Genome position (GRCh38, 1-based): chr7:45,064,502, G>A. VCF-style: chr7-45064502-G-A. GRCh37 (hg19) VCF-style: chr7-45104101-G-A.
Other names: c.391G>A, p.Asp131Asn (NM_001029835.2); c.154G>A, p.Asp52Asn (NM_001167934.2, NM_001363459.2); c.328G>A, p.Asp110Asn (NM_001167935.2, NM_001363458.2); short protein forms D110N, D131N, D52N.
Identifiers: ClinVar variation 650820 (VCV000650820.28), dbSNP rs41280666, ClinGen allele CA4246952.

ClinVar aggregate classification (germline): Conflicting classifications of pathogenicity. Review status: criteria provided, conflicting classifications (1 of 4 stars). 3 submissions from 3 submitters: Uncertain significance (1); Likely benign (1). 1 of the submissions does not count toward it. Last evaluated 2024-11-26.

Conditions:
Vascular dementia. Identifiers: MedGen C0011269, MeSH D015140, MONDO:0004648.
Cerebral cavernous malformation 2. Also called: Familial Cerebral Cavernous Malformation 2. Identifiers: Orphanet 221061, MedGen C1864041, MONDO:0011304, OMIM 603284.

Allele frequency attached by ClinVar (database versions not stated): 1000 Genomes Project 30x 0.00016; TOPMed 0.00017; gnomAD 0.00019; 1000 Genomes Project 0.00020; gnomAD exomes 0.00029 and 0.00046; ExAC 0.00031; ESP Exome Variant Server 0.00046.
gnomAD v4.1: 684 of 1,613,760 alleles (0.042%); highest among the groups gnomAD compares: Non-Finnish European, 0.054%; no homozygotes.

Submissions (3):

Blueprint Genetics
Classification: Likely benign. Last evaluated: 2024-11-26. Review status: criteria provided, single submitter. Criteria: ACMG Guidelines, 2015. Collection method: clinical testing. Allele origin: germline.

Labcorp Genetics (formerly Invitae), Labcorp
Classification: Uncertain significance for Cerebral cavernous malformation 2. Last evaluated: 2024-07-15. Review status: criteria provided, single submitter. Criteria: Invitae Variant Classification Sherloc (09022015). Collection method: clinical testing. Allele origin: germline.
Comment: This sequence change replaces aspartic acid, which is acidic and polar, with asparagine, which is neutral and polar, at codon 110 of the CCM2 protein (p.Asp110Asn). This variant is present in population databases (rs41280666, gnomAD 0.05%), and has an allele count higher than expected for a pathogenic variant. This variant has not been reported in the literature in individuals affected with CCM2-related conditions. ClinVar contains an entry for this variant (Variation ID: 650820). Advanced modeling of protein sequence and biophysical properties (such as structural, functional, and spatial information, amino acid conservation, physicochemical variation, residue mobility, and thermodynamic stability) performed at Invitae indicates that this missense variant is not expected to disrupt CCM2 protein function with a negative predictive value of 80%. In summary, the available evidence is currently insufficient to determine the role of this variant in disease. Therefore, it has been classified as a Variant of Uncertain Significance.

Myllykangas group, University of Helsinki
Classification: Uncertain significance for Vascular dementia. Last evaluated: 2021-10-01. Review status: no assertion criteria provided. Collection method: research. Allele origin: germline. Affected: yes. Not counted in ClinVar's aggregate classification.

Literature cited by the submitters: PubMed 35307828 (cited by Myllykangas group, University of Helsinki).